The following is an entry in ClinVar:

ClinVar aggregate classification (germline): Uncertain significance (1 of 4 stars; one submission).

gnomAD v4.1: 3 of 1,613,964 alleles (0.00019%); highest among the groups gnomAD compares: Admixed American, 0.0017%; no homozygotes.

Submission:

Labcorp Genetics (formerly Invitae), Labcorp
Classification: Uncertain significance. Last evaluated: 2023-01-28. Review status: criteria provided, single submitter. Criteria: Invitae Variant Classification Sherloc (09022015). Collection method: clinical testing. Allele origin: germline.
Comment: In summary, the available evidence is currently insufficient to determine the role of this variant in disease. Therefore, it has been classified as a Variant of Uncertain Significance. Algorithms developed to predict the effect of sequence changes on RNA splicing suggest that this variant may disrupt the consensus splice site. This variant has not been reported in the literature in individuals affected with CAMK2B-related conditions. This variant is present in population databases (no rsID available, gnomAD 0.003%). This sequence change affects codon 132 of the CAMK2B mRNA. It is a 'silent' change, meaning that it does not change the encoded amino acid sequence of the CAMK2B protein.

NM_001220.5(CAMK2B):c.396C>G (p.Val132=)

Gene: CAMK2B (calcium/calmodulin dependent protein kinase II beta; minus strand). Cytogenetic location: 7p13.
Variant type: single nucleotide variant.
Coding change: c.396C>G on transcript NM_001220.5 (MANE Select); coding-DNA position 396, C replaced by G.
Protein change: p.Val132=; no amino-acid change (valine 132 retained).
Molecular consequence: synonymous variant.
Genome position (GRCh38, 1-based): chr7:44,247,138, G>C on the plus strand (C>G on the coding strand, the complement: CAMK2B is on the minus strand). VCF-style: chr7-44247138-G-C. GRCh37 (hg19) VCF-style: chr7-44286737-G-C.
Other names: c.396C>G, p.Val132= (NM_001293170.2, NM_172078.3, NM_172079.3 and 5 more transcripts).
Identifiers: ClinVar variation 2988134 (VCV002988134.3), dbSNP rs1453789479, ClinGen allele CA454598007.
Genomic context (GRCh38, chr7:44,247,138, plus strand): 5'-ACAGACAACAGACACCTGGCACAGAGTGGGGTGGGGACTCACCTTGAGGTCTCTGTGGAC[G>C]ACCCCCATTTGGTGACAATGGAGAACGGCCTCCAGGATCTGCTGGATACAGTGACTGTGG-3'
Protein context (NP_001211.3, residues 122-142): EAVLHCHQMG[Val132=]VHRDLKPENL